The following is an entry in ClinVar:

NM_000535.6(PMS2):c.24-?_163+?del

Gene: PMS2 (PMS1 homolog 2, mismatch repair system component; minus strand).
Variant type: Deletion.
Coding change: c.24-?_163+?del on transcript NM_000535.6.
Other names: c.24-?_163+?del (LRG_161t1).
Identifiers: ClinVar variation 91342 (VCV000091342.2).

ClinVar aggregate classification (germline): Pathogenic (3 of 4 stars; one submission).

Conditions:
Lynch syndrome. Identifiers: Orphanet 144, MedGen C4552100, MONDO:0005835. Disease mechanism: loss of function.

Submission:

International Society for Gastrointestinal Hereditary Tumours (InSiGHT)
Classification: Pathogenic for Lynch Syndrome. Last evaluated: 2013-09-05. Review status: reviewed by expert panel. Criteria: Guidelines v1.9. Collection method: research. Allele origin: germline.
Comment: Large deletion

Classified with v1.9 guidelines